The following is an entry in ClinVar:

ClinVar aggregate classification (germline): Uncertain significance. Review status: criteria provided, multiple submitters, no conflicts (2 of 4 stars). 3 submissions from 3 submitters: Uncertain significance (3). Last evaluated 2025-09-30.

Conditions:
Facial dysmorphism-immunodeficiency-livedo-short stature syndrome. Also called: Facial dysmorphism, immunodeficiency, livedo, and short stature; FILS syndrome. Identifiers: Orphanet 352712, MedGen C3554576, MONDO:0014058, OMIM 615139.
Intrauterine growth retardation, metaphyseal dysplasia, adrenal hypoplasia congenita, genital anomalies, and immunodeficiency. Also called: IMAGEI SYNDROME. Identifiers: MedGen C5193036, MONDO:0032684, OMIM 618336.
Colorectal cancer, susceptibility to, 12 (CRCS12). Also called: COLORECTAL CANCER, SUSCEPTIBILITY TO, ON CHROMOSOME 12q24. Identifiers: Orphanet 220460, MedGen C3554460, MONDO:0014038, OMIM 615083.
Hereditary cancer-predisposing syndrome. Also called: Neoplastic Syndromes, Hereditary; Tumor predisposition; Hereditary Cancer Syndrome; Hereditary neoplastic syndrome. Identifiers: Orphanet 140162, MedGen C0027672, MeSH D009386, MONDO:0015356.

gnomAD v4.1: 1 of 1,614,132 alleles (0.000062%); highest among the groups gnomAD compares: Non-Finnish European, 0.000085%; no homozygotes.

Submissions (3):

Labcorp Genetics (formerly Invitae), Labcorp
Classification: Uncertain significance. Last evaluated: 2025-09-30. Review status: criteria provided, single submitter. Criteria: Invitae Variant Classification Sherloc (09022015). Collection method: clinical testing. Allele origin: germline.
Comment: This sequence change replaces alanine, which is neutral and non-polar, with serine, which is neutral and polar, at codon 25 of the POLE protein (p.Ala25Ser). This variant is not present in population databases (gnomAD no frequency). This variant has not been reported in the literature in individuals affected with POLE-related conditions. ClinVar contains an entry for this variant (Variation ID: 473825). An algorithm developed to predict the effect of missense changes on protein structure and function outputs the following: PolyPhen-2: "Benign". The serine amino acid residue is found in multiple mammalian species, which suggests that this missense change does not adversely affect protein function. In summary, the available evidence is currently insufficient to determine the role of this variant in disease. Therefore, it has been classified as a Variant of Uncertain Significance.

Ambry Genetics
Classification: Uncertain significance for Hereditary cancer-predisposing syndrome. Last evaluated: 2025-01-23. Review status: criteria provided, single submitter. Criteria: Ambry Variant Classification Scheme 2023. Collection method: clinical testing. Allele origin: germline.
Comment: The p.A25S variant (also known as c.73G>T), located in coding exon 2 of the POLE gene, results from a G to T substitution at nucleotide position 73. The alanine at codon 25 is replaced by serine, an amino acid with similar properties. This amino acid position is poorly conserved in available vertebrate species. In addition, this alteration is predicted to be tolerated by in silico analysis. Based on the available evidence, the clinical significance of this variant remains unclear.

Fulgent Genetics
Classification: Uncertain significance for Colorectal cancer, susceptibility to, 12; Facial dysmorphism-immunodeficiency-livedo-short stature syndrome; Intrauterine growth retardation, metaphyseal dysplasia, adrenal hypoplasia congenita, genital anomalies, and immunodeficiency. Last evaluated: 2021-11-18. Review status: criteria provided, single submitter. Criteria: ACMG Guidelines, 2015. Collection method: clinical testing. Allele origin: unknown.

NM_006231.4(POLE):c.73G>T (p.Ala25Ser)

Gene: POLE (DNA polymerase epsilon, catalytic subunit; minus strand). Cytogenetic location: 12q24.33.
Variant type: single nucleotide variant.
Coding change: c.73G>T on transcript NM_006231.4 (MANE Select); coding-DNA position 73, G replaced by T.
Protein change: p.Ala25Ser; replaces alanine 25 with serine.
Molecular consequence: missense variant.
Genome position (GRCh38, 1-based): chr12:132,681,269, C>A on the plus strand (G>T on the coding strand, the complement: POLE is on the minus strand). VCF-style: chr12-132681269-C-A. GRCh37 (hg19) VCF-style: chr12-133257855-C-A.
Other names: c.73G>T (NM_006231.2); short protein forms A25S.
Identifiers: ClinVar variation 473825 (VCV000473825.10), dbSNP rs773204331, ClinGen allele CA387370661.